The following is an entry in ClinVar:

ClinVar aggregate classification (germline): Likely benign (1 of 4 stars; one submission).

Allele frequency attached by ClinVar (database versions not stated): gnomAD 0.00001; gnomAD exomes 0.00001.
gnomAD v4.1: 6 of 1,606,934 alleles (0.00037%); highest among the groups gnomAD compares: East Asian, 0.0045%; no homozygotes.

Submission:

CeGaT Center for Human Genetics Tuebingen
Classification: Likely benign. Last evaluated: 2023-08-01. Review status: criteria provided, single submitter. Criteria: CeGaT Center For Human Genetics Tuebingen Variant Classification Criteria Version 2. Collection method: clinical testing. Allele origin: germline. Affected: yes. Observed: 1 variant allele.
Comment: COPB1: BP4, BP7

NM_001144061.2(COPB1):c.9G>A (p.Ala3=)

Gene: COPB1 (coat protein complex I subunit beta 1; minus strand). Cytogenetic location: 11p15.2.
Variant type: single nucleotide variant.
Coding change: c.9G>A on transcript NM_001144061.2 (MANE Select); coding-DNA position 9, G replaced by A.
Protein change: p.Ala3=; no amino-acid change (alanine 3 retained).
Molecular consequence: synonymous variant.
Genome position (GRCh38, 1-based): chr11:14,498,920, C>T on the plus strand (G>A on the coding strand, the complement: COPB1 is on the minus strand). VCF-style: chr11-14498920-C-T. GRCh37 (hg19) VCF-style: chr11-14520466-C-T.
Other names: c.9G>A, p.Ala3= (NM_001144062.2, NM_016451.5).
Identifiers: ClinVar variation 2641624 (VCV002641624.24), dbSNP rs1235724699, ClinGen allele CA473276278.